The following is an entry in ClinVar:

NM_000141.5(FGFR2):c.923A>G (p.Tyr308Cys)

Gene: FGFR2 (fibroblast growth factor receptor 2; minus strand). Cytogenetic location: 10q26.13.
Variant type: single nucleotide variant.
Coding change: c.923A>G on transcript NM_000141.5 (MANE Select); coding-DNA position 923, A replaced by G.
Protein change: p.Tyr308Cys; replaces tyrosine 308 with cysteine.
Molecular consequence: missense variant. On other transcripts: non-coding transcript variant (1), intron variant (1).
Genome position (GRCh38, 1-based): chr10:121,519,995, T>C on the plus strand (A>G on the coding strand, the complement: FGFR2 is on the minus strand). VCF-style: chr10-121519995-T-C. GRCh37 (hg19) VCF-style: chr10-123279509-T-C.
Other names: c.923A>G, p.Tyr308Cys (NM_001144913.1, NM_001144917.2, NM_001320658.2 and 1 more transcripts); c.656A>G, p.Tyr219Cys (NM_001144915.2, NM_001144919.2, NM_023029.3); c.578A>G, p.Tyr193Cys (NM_001144916.2, NM_001144918.2); c.239A>G, p.Tyr80Cys (NM_001320654.2); c.749-4676A>G (NM_001144914.1); short protein forms Y308C, Y193C, Y219C, Y80C.
Identifiers: ClinVar variation 374813 (VCV000374813.3), dbSNP rs1057519040, ClinGen allele CA16043915.

ClinVar aggregate classification (germline): Pathogenic/Likely pathogenic. Review status: criteria provided, multiple submitters, no conflicts (2 of 4 stars). 2 submissions from 2 submitters: Pathogenic (1); Likely pathogenic (1). Last evaluated 2025-01-27.

Conditions:
Crouzon syndrome. Also called: CRANIOFACIAL DYSOSTOSIS, TYPE I; Craniofacial dysostosis; Craniofacial dysostosis type 1; Crouzon craniofacial dysostosis; Crouzon disease. Identifiers: Orphanet 207, MedGen C0010273, MeSH D003394, MONDO:0007405, OMIM 123500, HP:0004439.

Submissions (2):

GeneDx
Classification: Likely pathogenic. Last evaluated: 2025-01-27. Review status: criteria provided, single submitter. Criteria: GeneDx Variant Classification Process June 2021. Collection method: clinical testing. Allele origin: germline. Affected: yes.
Comment: Not observed at significant frequency in large population cohorts (gnomAD); In silico analysis supports that this missense variant has a deleterious effect on protein structure/function; This variant is associated with the following publications: (PMID: 29230096, 11781872, 16418739)

Genomic Diagnostic Laboratory, Division of Genomic Diagnostics, Children's Hospital of Philadelphia
Classification: Pathogenic for Crouzon syndrome. Last evaluated: 2016-09-17. Review status: criteria provided, single submitter. Criteria: DGD Variant Analysis Guidelines. Collection method: clinical testing. Allele origin: germline. Affected: yes. Observed: 1 variant allele.
Comment: Clinical Testing